The following is an entry in ClinVar:

NM_177438.3(DICER1):c.642T>G (p.Cys214Trp)

Gene: DICER1 (dicer 1, ribonuclease III; minus strand). Cytogenetic location: 14q32.13.
Variant type: single nucleotide variant.
Coding change: c.642T>G on transcript NM_177438.3 (MANE Select); coding-DNA position 642, T replaced by G.
Protein change: p.Cys214Trp; replaces cysteine 214 with tryptophan.
Molecular consequence: missense variant. On other transcripts: non-coding transcript variant (6), 5 prime UTR variant (1).
Genome position (GRCh38, 1-based): chr14:95,129,564, A>C on the plus strand (T>G on the coding strand, the complement: DICER1 is on the minus strand). VCF-style: chr14-95129564-A-C. GRCh37 (hg19) VCF-style: chr14-95595901-A-C.
Other names: c.642T>G, p.Cys214Trp (NM_001395700.1, NM_030621.4, NM_001195573.1 and 14 more transcripts); c.360T>G, p.Cys120Trp (NM_001395686.1); c.237T>G, p.Cys79Trp (NM_001395687.1, NM_001395688.1, NM_001395689.1 and 3 more transcripts); c.75T>G, p.Cys25Trp (NM_001395691.1); c.-927T>G (NM_001395697.1); short protein forms C214W, C25W, C120W, C79W.
Identifiers: ClinVar variation 4011635 (VCV004011635.1).

ClinVar aggregate classification (germline): Uncertain significance (1 of 4 stars; one submission).

Conditions:
Hereditary cancer-predisposing syndrome. Also called: Tumor predisposition; Hereditary neoplastic syndrome; Neoplastic Syndromes, Hereditary; Hereditary Cancer Syndrome. Identifiers: Orphanet 140162, MedGen C0027672, MeSH D009386, MONDO:0015356.

Submission:

Ambry Genetics
Classification: Uncertain significance for Hereditary cancer-predisposing syndrome. Last evaluated: 2025-04-14. Review status: criteria provided, single submitter. Criteria: Ambry Variant Classification Scheme 2023. Collection method: clinical testing. Allele origin: germline.
Comment: The p.C214W variant (also known as c.642T>G), located in coding exon 5 of the DICER1 gene, results from a T to G substitution at nucleotide position 642. The cysteine at codon 214 is replaced by tryptophan, an amino acid with highly dissimilar properties. This amino acid position is conserved. In addition, this alteration is predicted to be deleterious by in silico analysis. Based on the available evidence, the clinical significance of this variant remains unclear.